The following is an entry in ClinVar:

ClinVar aggregate classification (germline): Benign. Review status: criteria provided, single submitter (1 of 4 stars). 2 submissions from 2 submitters: Benign (1). 1 of the submissions does not count toward it. Last evaluated 2019-10-17.

Conditions:
Leigh syndrome (NULS). Also called: Leigh's syndrome; Leigh Disease; Subacute necrotizing encephalopathy; Necrotizing encephalopathy infantile subacute of Leigh; Leigh's necrotizing encephalopathy; Leigh's disease. Identifiers: Orphanet 506, MedGen C2931891, MONDO:0009723, OMIM 256000.
Familial cancer of breast. Also called: BREAST CANCER, FAMILIAL; Hereditary breast cancer; hereditary breast carcinoma. Identifiers: Orphanet 227535, MedGen C0346153, MONDO:0016419, OMIM 114480. Disease mechanism: loss of function.

Submissions (2):

Wong Mito Lab, Molecular and Human Genetics, Baylor College of Medicine
Classification: Benign for Leigh syndrome. Last evaluated: 2019-10-17. Review status: criteria provided, single submitter. Criteria: Modified ACMG Guidelines (Unpublished). Collection method: clinical testing. Allele origin: germline.
Comment: The NC_012920.1:m.15287T>C (YP_003024038.1:p.Phe181Leu) variant in MTCYB gene is interpretated to be a Benign variant based on the modified ACMG guidelines (unpublished). This variant meets the following evidence codes: BA1

Department of Zoology Govt. MVM College
Classification: Likely pathogenic for Familial cancer of breast. Review status: no assertion criteria provided. Collection method: not provided. Allele origin: unknown. Not counted in ClinVar's aggregate classification.
Comment: Our Seq: KM077021
ClinVar note: Converted during submission from probable-pathogenic to Likely pathogenic.

NC_012920.1(MT-CYB):m.15287T>C

Gene: MT-CYB (mitochondrially encoded cytochrome b; plus strand).
Variant type: single nucleotide variant.
Genome position: chrM-15287-T-C.
Identifiers: ClinVar variation 140590 (VCV000140590.4), dbSNP rs527236044, ClinGen allele CA269988.
Genomic context (GRCh38, chrMT:15,287, plus strand): 5'-GTTCAATGAATCTGAGGAGGCTACTCAGTAGACAGTCCCACCCTCACACGATTCTTTACC[T>C]TTCACTTCATCTTGCCCTTCATTATTGCAGCCCTAGCAACACTCCACCTCCTATTCTTGC-3'